The following is an entry in ClinVar:

ClinVar aggregate classification (germline): Likely benign. Review status: criteria provided, multiple submitters, no conflicts (2 of 4 stars). 3 submissions from 3 submitters: Likely benign (3). Last evaluated 2025-02-06.

Conditions:
KMT2D-related disorder. Also called: KMT2D-Related Disorders.
Kabuki syndrome. Also called: NIIKAWA-KUROKI SYNDROME; Kabuki make-up syndrome. Identifiers: Orphanet 2322, MedGen C0796004, MONDO:0016512.

Allele frequency attached by ClinVar (database versions not stated): gnomAD exomes below 0.00001 and 0.00001; ExAC 0.00001; gnomAD 0.00001; TOPMed 0.00001.
gnomAD v4.1: 21 of 1,611,068 alleles (0.0013%); highest among the groups gnomAD compares: Non-Finnish European, 0.0017%; no homozygotes.

Submissions (3):

PreventionGenetics, part of Exact Sciences
Classification: Likely benign for KMT2D-related condition. Last evaluated: 2025-02-06. Review status: criteria provided, single submitter. Criteria: ACMG Guidelines, 2015. Collection method: clinical testing. Allele origin: germline.
Comment: This variant is classified as likely benign based on ACMG/AMP sequence variant interpretation guidelines (Richards et al. 2015 PMID: 25741868, with internal and published modifications).

Labcorp Genetics (formerly Invitae), Labcorp
Classification: Likely benign for Kabuki syndrome. Last evaluated: 2023-08-03. Review status: criteria provided, single submitter. Criteria: Invitae Variant Classification Sherloc (09022015). Collection method: clinical testing. Allele origin: germline.

CeGaT Center for Human Genetics Tuebingen
Classification: Likely benign. Last evaluated: 2020-12-01. Review status: criteria provided, single submitter. Criteria: CeGaT Center For Human Genetics Tuebingen Variant Classification Criteria Version 2. Collection method: clinical testing. Allele origin: germline. Affected: yes. Observed: 1 variant allele.

NM_003482.4(KMT2D):c.9318C>T (p.Ala3106=)

Gene: KMT2D (lysine methyltransferase 2D; minus strand). Cytogenetic location: 12q13.12.
Variant type: single nucleotide variant.
Coding change: c.9318C>T on transcript NM_003482.4 (MANE Select); coding-DNA position 9318, C replaced by T.
Protein change: p.Ala3106=; no amino-acid change (alanine 3106 retained).
Molecular consequence: synonymous variant.
Genome position (GRCh38, 1-based): chr12:49,038,038, G>A on the plus strand (C>T on the coding strand, the complement: KMT2D is on the minus strand). VCF-style: chr12-49038038-G-A. GRCh37 (hg19) VCF-style: chr12-49431821-G-A.
Other names: c.9318C>T (NM_003482.3).
Identifiers: ClinVar variation 1012606 (VCV001012606.43), dbSNP rs751406059, ClinGen allele CA6546712.